The following is an entry in ClinVar:

NM_006231.4(POLE):c.948T>G (p.Asp316Glu)

Gene: POLE (DNA polymerase epsilon, catalytic subunit; minus strand). Cytogenetic location: 12q24.33.
Variant type: single nucleotide variant.
Coding change: c.948T>G on transcript NM_006231.4 (MANE Select); coding-DNA position 948, T replaced by G.
Protein change: p.Asp316Glu; replaces aspartic acid 316 with glutamic acid.
Molecular consequence: missense variant.
Genome position (GRCh38, 1-based): chr12:132,676,166, A>C on the plus strand (T>G on the coding strand, the complement: POLE is on the minus strand). VCF-style: chr12-132676166-A-C. GRCh37 (hg19) VCF-style: chr12-133252752-A-C.
Other names: short protein forms D316E.
Identifiers: ClinVar variation 823282 (VCV000823282.13), dbSNP rs762898113, ClinGen allele CA6894134.

ClinVar aggregate classification (germline): Conflicting classifications of pathogenicity. Review status: criteria provided, conflicting classifications (1 of 4 stars). 2 submissions from 2 submitters: Uncertain significance (1); Likely benign (1). Last evaluated 2024-05-22.

Conditions:
Hereditary cancer-predisposing syndrome. Also called: Tumor predisposition; Hereditary Cancer Syndrome; Neoplastic Syndromes, Hereditary; Hereditary neoplastic syndrome. Identifiers: Orphanet 140162, MedGen C0027672, MeSH D009386, MONDO:0015356.

Allele frequency attached by ClinVar (database versions not stated): gnomAD exomes below 0.00001; ExAC 0.00001.
gnomAD v4.1: 2 of 1,613,270 alleles (0.00012%); highest among the groups gnomAD compares: Non-Finnish European, 0.00017%; no homozygotes.

Submissions (2):

Ambry Genetics
Classification: Likely benign for Hereditary cancer-predisposing syndrome. Last evaluated: 2024-05-22. Review status: criteria provided, single submitter. Criteria: Ambry Variant Classification Scheme 2023. Collection method: clinical testing. Allele origin: germline.

Labcorp Genetics (formerly Invitae), Labcorp
Classification: Uncertain significance. Last evaluated: 2024-04-22. Review status: criteria provided, single submitter. Criteria: Invitae Variant Classification Sherloc (09022015). Collection method: clinical testing. Allele origin: germline.
Comment: This sequence change replaces aspartic acid, which is acidic and polar, with glutamic acid, which is acidic and polar, at codon 316 of the POLE protein (p.Asp316Glu). This variant is present in population databases (rs762898113, gnomAD 0.0009%). This variant has not been reported in the literature in individuals affected with POLE-related conditions. ClinVar contains an entry for this variant (Variation ID: 823282). Advanced modeling of protein sequence and biophysical properties (such as structural, functional, and spatial information, amino acid conservation, physicochemical variation, residue mobility, and thermodynamic stability) performed at Invitae indicates that this missense variant is not expected to disrupt POLE protein function with a negative predictive value of 80%. In summary, the available evidence is currently insufficient to determine the role of this variant in disease. Therefore, it has been classified as a Variant of Uncertain Significance.